The following is an entry in ClinVar:

ClinVar aggregate classification (germline): Conflicting classifications of pathogenicity. Review status: criteria provided, conflicting classifications (1 of 4 stars). 2 submissions from 2 submitters: Uncertain significance (1); Benign (1). Last evaluated 2024-06-24.

Conditions:
Inborn genetic diseases. Identifiers: MedGen C0950123, MeSH D030342.
Landau-Kleffner syndrome (FESD). Also called: APHASIA, ACQUIRED, WITH EPILEPSY; EPILEPSY, FOCAL, WITH SPEECH DISORDER AND WITH OR WITHOUT MENTAL RETARDATION. Identifiers: Orphanet 1945, Orphanet 725, Orphanet 98818, MedGen C0282512, MONDO:0009509, OMIM 245570.

Allele frequency attached by ClinVar (database versions not stated): gnomAD exomes below 0.00001.
gnomAD v4.1: 1 of 1,614,228 alleles (0.000062%); no homozygotes.

Submissions (2):

Labcorp Genetics (formerly Invitae), Labcorp
Classification: Benign for Landau-Kleffner syndrome. Last evaluated: 2024-06-24. Review status: criteria provided, single submitter. Criteria: Invitae Variant Classification Sherloc (09022015). Collection method: clinical testing. Allele origin: germline.

Ambry Genetics
Classification: Uncertain significance for Inborn genetic diseases. Last evaluated: 2018-07-02. Review status: criteria provided, single submitter. Criteria: Ambry Variant Classification Scheme 2023. Collection method: clinical testing. Allele origin: germline.
Comment: The p.F924S variant (also known as c.2771T>C), located in coding exon 12 of the GRIN2A gene, results from a T to C substitution at nucleotide position 2771. The phenylalanine at codon 924 is replaced by serine, an amino acid with highly dissimilar properties. This amino acid position is not well conserved in available vertebrate species. In addition, this alteration is predicted to be tolerated by in silico analysis. Since supporting evidence is limited at this time, the clinical significance of this alteration remains unclear.

NM_001134407.3(GRIN2A):c.2771T>C (p.Phe924Ser)

Gene: GRIN2A (glutamate ionotropic receptor NMDA type subunit 2A; minus strand). Cytogenetic location: 16p13.2.
Variant type: single nucleotide variant.
Coding change: c.2771T>C on transcript NM_001134407.3 (MANE Select); coding-DNA position 2771, T replaced by C.
Protein change: p.Phe924Ser; replaces phenylalanine 924 with serine.
Molecular consequence: missense variant.
Genome position (GRCh38, 1-based): chr16:9,764,773, A>G on the plus strand (T>C on the coding strand, the complement: GRIN2A is on the minus strand). VCF-style: chr16-9764773-A-G. GRCh37 (hg19) VCF-style: chr16-9858630-A-G.
Other names: c.2771T>C, p.Phe924Ser (NM_000833.5, NM_001134408.2); short protein forms F924S.
Identifiers: ClinVar variation 1025542 (VCV001025542.15), dbSNP rs1177789326, ClinGen allele CA394709391.
Genomic context (GRCh38, chr16:9,764,773, plus strand): 5'-GAGTACATCAAATTCCCCTTATCTGAAACCATGTCCATGATGAGGGAACCTCTTTGGATG[A>G]AGTCAGCAGCTCTTTTGGGTGAGTCCATTCTTGAGGAGTTCATGTTGGACATGCTGGAAA-3'
Protein context (NP_001127879.1, residues 914-934): RMDSPKRAAD[Phe924Ser]IQRGSLIMDM